The following is an entry in ClinVar:

ClinVar aggregate classification (germline): Pathogenic/Likely pathogenic. Review status: criteria provided, multiple submitters, no conflicts (2 of 4 stars). 2 submissions from 2 submitters: Pathogenic (1); Likely pathogenic (1). Last evaluated 2025-05-19.

Conditions:
Arrhythmogenic right ventricular dysplasia 9 (ARVD9). Also called: Arrhythmogenic Right Ventricular Dysplasia/Cardiomyopathy 9; ARRHYTHMOGENIC RIGHT VENTRICULAR DYSPLASIA, FAMILIAL, 9. Identifiers: MedGen C1836906, MONDO:0012180, OMIM 609040.

Submissions (2):

Labcorp Genetics (formerly Invitae), Labcorp
Classification: Pathogenic for Arrhythmogenic right ventricular dysplasia 9. Last evaluated: 2025-05-19. Review status: criteria provided, single submitter. Criteria: Invitae Variant Classification Sherloc (09022015). Collection method: clinical testing. Allele origin: germline.
Comment: This sequence change creates a premature translational stop signal (p.Ser536Leufs*27) in the PKP2 gene. It is expected to result in an absent or disrupted protein product. Loss-of-function variants in PKP2 are known to be pathogenic (PMID: 15489853, 17041889, 23911551). This variant is not present in population databases (gnomAD no frequency). This variant has not been reported in the literature in individuals affected with PKP2-related conditions. ClinVar contains an entry for this variant (Variation ID: 450580). For these reasons, this variant has been classified as Pathogenic.

GeneDx
Classification: Likely pathogenic. Last evaluated: 2025-05-15. Review status: criteria provided, single submitter. Criteria: GeneDx Variant Classification Process June 2021. Collection method: clinical testing. Allele origin: germline. Affected: yes.
Comment: Frameshift variant predicted to result in protein truncation or nonsense mediated decay in a gene for which loss of function is a known mechanism of disease; Not observed at significant frequency in large population cohorts (gnomAD); Has not been previously published as pathogenic or benign to our knowledge

Literature cited by the submitters: PubMed 15489853 (cited by Labcorp Genetics (formerly Invitae), Labcorp); PubMed 17041889 (cited by Labcorp Genetics (formerly Invitae), Labcorp); PubMed 23911551 (cited by Labcorp Genetics (formerly Invitae), Labcorp).

NM_001005242.3(PKP2):c.1474del (p.Ser492fs)

Gene: PKP2 (plakophilin 2; minus strand). Cytogenetic location: 12p11.21.
Variant type: Deletion.
Coding change: c.1474del on transcript NM_001005242.3 (MANE Select); coding-DNA position 1474, one base deleted (T; older notation c.1474delT).
Protein change: p.Ser492fs; shifts the reading frame from serine 492.
Molecular consequence: frameshift variant.
Genome position (GRCh38, 1-based): chr12:32,841,110, A deleted on the plus strand (T on the coding strand, the reverse complement: PKP2 is on the minus strand); the first of 4 consecutive A bases (chr12:32,841,110-32,841,113); deleting any one gives the same sequence. VCF-style (leftmost placement, unchanged base first): chr12-32841109-GA-G. GRCh37 (hg19) VCF-style: chr12-32994043-GA-G.
Other names: c.1606del, p.Ser536fs (NM_004572.4); c.1606del (NM_004572.3); c.1606delT (NM_004572.3); short protein forms S536fs, S492fs.
Identifiers: ClinVar variation 450580 (VCV000450580.4), dbSNP rs1555144478, ClinGen allele CA658658128.